The following is an entry in ClinVar:

NM_133433.4(NIPBL):c.4733G>A (p.Trp1578Ter)

Gene: NIPBL (NIPBL cohesin loading factor; plus strand). Cytogenetic location: 5p13.2.
Variant type: single nucleotide variant.
Coding change: c.4733G>A on transcript NM_133433.4 (MANE Select); coding-DNA position 4733, G replaced by A.
Protein change: p.Trp1578Ter; replaces tryptophan 1578 with a stop codon.
Molecular consequence: nonsense.
Genome position (GRCh38, 1-based): chr5:37,016,127, G>A. VCF-style: chr5-37016127-G-A. GRCh37 (hg19) VCF-style: chr5-37016229-G-A.
Other names: c.4733G>A, p.Trp1578Ter (NM_015384.5); short protein forms W1578*.
Identifiers: ClinVar variation 2120561 (VCV002120561.4), dbSNP rs2478268894, ClinGen allele CA359482822.

ClinVar aggregate classification (germline): Pathogenic (1 of 4 stars; one submission).

Conditions:
Cornelia de Lange syndrome 1 (CDLS1). Also called: Brachmann de Lange syndrome; NIPBL-Related Cornelia de Lange Syndrome; TYPUS DEGENERATIVUS AMSTELODAMENSIS. Identifiers: Orphanet 199, MedGen C4551851, MONDO:0007387, OMIM 122470.

Submission:

Labcorp Genetics (formerly Invitae), Labcorp
Classification: Pathogenic for Cornelia de Lange syndrome 1. Last evaluated: 2022-04-01. Review status: criteria provided, single submitter. Criteria: Invitae Variant Classification Sherloc (09022015). Collection method: clinical testing. Allele origin: germline.
Comment: For these reasons, this variant has been classified as Pathogenic. This variant has not been reported in the literature in individuals affected with NIPBL-related conditions. This variant is not present in population databases (gnomAD no frequency). This sequence change creates a premature translational stop signal (p.Trp1578*) in the NIPBL gene. It is expected to result in an absent or disrupted protein product. Loss-of-function variants in NIPBL are known to be pathogenic (PMID: 15318302, 19763162, 23505322, 29995837).

Literature cited by the submitters: PubMed 15318302; PubMed 19763162; PubMed 23505322; PubMed 29995837.